The following is an entry in ClinVar:

ClinVar aggregate classification (germline): Likely benign (1 of 4 stars; one submission).

gnomAD v4.1: 166 of 1,588,766 alleles (0.01%); highest among the groups gnomAD compares: Admixed American, 0.013%; no homozygotes.

Submission:

CeGaT Center for Human Genetics Tuebingen
Classification: Likely benign. Last evaluated: 2026-09-01. Review status: criteria provided, single submitter. Criteria: CeGaT Center For Human Genetics Tuebingen Variant Classification Criteria Version 2. Collection method: clinical testing. Allele origin: germline. Affected: yes. Observed: 1 variant allele.
Comment: MAPK8IP3: BP4, BP7

NM_001318852.2(MAPK8IP3):c.2445C>T (p.Pro815=)

Gene: MAPK8IP3 (mitogen-activated protein kinase 8 interacting protein 3; plus strand). Cytogenetic location: 16p13.3.
Variant type: single nucleotide variant.
Coding change: c.2445C>T on transcript NM_001318852.2 (MANE Select); coding-DNA position 2445, C replaced by T.
Protein change: p.Pro815=; no amino-acid change (proline 815 retained).
Molecular consequence: synonymous variant.
Genome position (GRCh38, 1-based): chr16:1,765,177, C>T. VCF-style: chr16-1765177-C-T. GRCh37 (hg19) VCF-style: chr16-1815178-C-T.
Other names: c.2424C>T, p.Pro808= (NM_001040439.2); c.2442C>T, p.Pro814= (NM_015133.5).
Identifiers: ClinVar variation 5040965 (VCV005040965.1).
Genomic context (GRCh38, chr16:1,765,177, plus strand): 5'-CACGGTGGTGGACCAGTTCACCGTCTGCAACGCGCACGTGCTGTGCATCTCCAGCATCCC[C>T]GGTGAGCAGCTGGAGTGGGCGTTTCCACTCGGGCGCCACTCCCTTTTACTAGCAAGCTAA-3'
Protein context (NP_001305781.1, residues 805-825): NAHVLCISSI[Pro815=]AASDSDYPPG